The following is an entry in ClinVar:

ClinVar aggregate classification (germline): Uncertain significance. Review status: criteria provided, multiple submitters, no conflicts (2 of 4 stars). 2 submissions from 2 submitters: Uncertain significance (2). Last evaluated 2024-05-30.

Conditions:
Familial thoracic aortic aneurysm and aortic dissection (TAAD). Also called: Thoracic aortic aneurysms and dissections. Identifiers: Orphanet 91387, MedGen C4707243, MONDO:0019625.

Allele frequency attached by ClinVar (database versions not stated): TOPMed below 0.00001; gnomAD 0.00001.

Submissions (2):

GeneDx
Classification: Uncertain significance. Last evaluated: 2024-05-30. Review status: criteria provided, single submitter. Criteria: GeneDx Variant Classification Process June 2021. Collection method: clinical testing. Allele origin: germline. Affected: yes.
Comment: Not observed at significant frequency in large population cohorts (gnomAD); In silico analysis supports that this missense variant has a deleterious effect on protein structure/function; Has not been previously published as pathogenic or benign to our knowledge

Ambry Genetics
Classification: Uncertain significance for Familial thoracic aortic aneurysm and aortic dissection. Last evaluated: 2016-04-18. Review status: criteria provided, single submitter. Criteria: Ambry Variant Classification Scheme 2023. Collection method: clinical testing. Allele origin: germline.
Comment: The p.E412K variant (also known as c.1234G>A), located in coding exon 10 of the FBN2 gene, results from a G to A substitution at nucleotide position 1234. The glutamic acid at codon 412 is replaced by lysine, an amino acid with some similar properties. This variant was not reported in population based cohorts in the following databases: Database of Single Nucleotide Polymorphisms (dbSNP), NHLBI Exome Sequencing Project (ESP), and 1000 Genomes Project. In the ESP, this variant was not observed in 6503 samples (13006 alleles) with coverage at this position. This amino acid position is well conserved in available vertebrate species. In addition, this alteration is predicted to be deleterious by in silico analysis. Since supporting evidence is limited at this time, the clinical significance of this alteration remains unclear.

NM_001999.4(FBN2):c.1234G>A (p.Glu412Lys)

Gene: FBN2 (fibrillin 2; minus strand). Cytogenetic location: 5q23.3.
Variant type: single nucleotide variant.
Coding change: c.1234G>A on transcript NM_001999.4 (MANE Select); coding-DNA position 1234, G replaced by A.
Protein change: p.Glu412Lys; replaces glutamic acid 412 with lysine.
Molecular consequence: missense variant.
Genome position (GRCh38, 1-based): chr5:128,393,366, C>T on the plus strand (G>A on the coding strand, the complement: FBN2 is on the minus strand). VCF-style: chr5-128393366-C-T. GRCh37 (hg19) VCF-style: chr5-127729059-C-T.
Other names: short protein forms E412K.
Identifiers: ClinVar variation 519816 (VCV000519816.6), dbSNP rs962522833, ClinGen allele CA127033964.